The following is an entry in ClinVar:

ClinVar aggregate classification (germline): Uncertain significance (1 of 4 stars; one submission).

Submission:

Labcorp Genetics (formerly Invitae), Labcorp
Classification: Uncertain significance. Last evaluated: 2024-08-05. Review status: criteria provided, single submitter. Criteria: Invitae Variant Classification Sherloc (09022015). Collection method: clinical testing. Allele origin: germline.
Comment: This sequence change replaces arginine, which is basic and polar, with tryptophan, which is neutral and slightly polar, at codon 89 of the FGF20 protein (p.Arg89Trp). The frequency data for this variant in the population databases is considered unreliable, as metrics indicate poor data quality at this position in the gnomAD database. This variant has not been reported in the literature in individuals affected with FGF20-related conditions. An algorithm developed to predict the effect of missense changes on protein structure and function (PolyPhen-2) suggests that this variant is likely to be disruptive. In summary, the available evidence is currently insufficient to determine the role of this variant in disease. Therefore, it has been classified as a Variant of Uncertain Significance.

NM_019851.3(FGF20):c.265C>T (p.Arg89Trp)

Gene: FGF20 (fibroblast growth factor 20; minus strand). Cytogenetic location: 8p22.
Variant type: single nucleotide variant.
Coding change: c.265C>T on transcript NM_019851.3 (MANE Select); coding-DNA position 265, C replaced by T.
Protein change: p.Arg89Trp; replaces arginine 89 with tryptophan.
Molecular consequence: missense variant.
Genome position (GRCh38, 1-based): chr8:17,001,768, G>A on the plus strand (C>T on the coding strand, the complement: FGF20 is on the minus strand). VCF-style: chr8-17001768-G-A. GRCh37 (hg19) VCF-style: chr8-16859277-G-A.
Other names: short protein forms R89W.
Identifiers: ClinVar variation 2793797 (VCV002793797.3), dbSNP rs1408079162, ClinGen allele CA370395146.